The following is an entry in ClinVar:

ClinVar aggregate classification (germline): Uncertain significance (1 of 4 stars; one submission).

Conditions:
Marfan syndrome (MFS). Also called: MARFAN SYNDROME, TYPE I; Marfan syndrome type 1; Marfan's syndrome; Marfan syndrome, classic; FBN1-Related Marfan Syndrome. Identifiers: Orphanet 284963, Orphanet 558, MedGen C0024796, MONDO:0007947, OMIM 154700.
Familial thoracic aortic aneurysm and aortic dissection (TAAD). Also called: Thoracic aortic aneurysms and dissections. Identifiers: Orphanet 91387, MedGen C4707243, MONDO:0019625.

Allele frequency attached by ClinVar (database versions not stated): TOPMed below 0.00001.
gnomAD v4.1: 1 of 1,614,086 alleles (0.000062%); highest among the groups gnomAD compares: Admixed American, 0.0017%; no homozygotes.

Submission:

Labcorp Genetics (formerly Invitae), Labcorp
Classification: Uncertain significance for Marfan syndrome; Familial thoracic aortic aneurysm and aortic dissection. Last evaluated: 2025-04-11. Review status: criteria provided, single submitter. Criteria: Invitae Variant Classification Sherloc (09022015). Collection method: clinical testing. Allele origin: germline.
Comment: This sequence change replaces threonine, which is neutral and polar, with isoleucine, which is neutral and non-polar, at codon 1403 of the FBN1 protein (p.Thr1403Ile). This variant is present in population databases (no rsID available, gnomAD 0.003%). This variant has not been reported in the literature in individuals affected with FBN1-related conditions. ClinVar contains an entry for this variant (Variation ID: 2924216). An algorithm developed to predict the effect of missense changes on protein structure and function outputs the following: PolyPhen-2: "Benign". The isoleucine amino acid residue is found in multiple mammalian species, which suggests that this missense change does not adversely affect protein function. Algorithms developed to predict the effect of sequence changes on RNA splicing suggest that this variant may create or strengthen a splice site. In summary, the available evidence is currently insufficient to determine the role of this variant in disease. Therefore, it has been classified as a Variant of Uncertain Significance.

NM_000138.5(FBN1):c.4208C>T (p.Thr1403Ile)

Gene: FBN1 (fibrillin 1; minus strand). Cytogenetic location: 15q21.1.
Variant type: single nucleotide variant.
Coding change: c.4208C>T on transcript NM_000138.5 (MANE Select); coding-DNA position 4208, C replaced by T.
Protein change: p.Thr1403Ile; replaces threonine 1403 with isoleucine.
Molecular consequence: missense variant.
Genome position (GRCh38, 1-based): chr15:48,474,257, G>A on the plus strand (C>T on the coding strand, the complement: FBN1 is on the minus strand). VCF-style: chr15-48474257-G-A. GRCh37 (hg19) VCF-style: chr15-48766454-G-A.
Other names: c.4208C>T, p.Thr1403Ile (NM_001406716.1); short protein forms T1403I.
Identifiers: ClinVar variation 2924216 (VCV002924216.3), dbSNP rs1158045779, ClinGen allele CA392319836.